The following is an entry in ClinVar:

ClinVar aggregate classification (germline): Pathogenic (1 of 4 stars; one submission).

Conditions:
Hereditary intrinsic factor deficiency (IFD). Also called: PERNICIOUS ANEMIA, CONGENITAL, DUE TO DEFECT OF INTRINSIC FACTOR; Congenital intrinsic factor deficiency. Identifiers: Orphanet 332, MedGen C2062370, MONDO:0009852, OMIM 261000.

Submission:

Labcorp Genetics (formerly Invitae), Labcorp
Classification: Pathogenic for Hereditary intrinsic factor deficiency. Last evaluated: 2025-09-15. Review status: criteria provided, single submitter. Criteria: Invitae Variant Classification Sherloc (09022015). Collection method: clinical testing. Allele origin: germline.
Comment: This sequence change creates a premature translational stop signal (p.Thr18Tyrfs*90) in the GIF gene. It is expected to result in an absent or disrupted protein product. Loss-of-function variants in GIF are known to be pathogenic (PMID: 14576042, 22929189). This variant is not present in population databases (gnomAD no frequency). This variant has not been reported in the literature in individuals affected with GIF-related conditions. For these reasons, this variant has been classified as Pathogenic.

Literature cited by the submitters: PubMed 14576042; PubMed 22929189.

NM_005142.3(CBLIF):c.52_56del (p.Thr18fs)

Gene: CBLIF (cobalamin binding intrinsic factor; minus strand). Cytogenetic location: 11q12.1.
Variant type: Deletion.
Coding change: c.52_56del on transcript NM_005142.3 (MANE Select); coding-DNA positions 52 to 56, 5 bases deleted (ACTAG; older notation c.52_56delACTAG).
Protein change: p.Thr18fs; shifts the reading frame from threonine 18.
Molecular consequence: frameshift variant.
Genome position (GRCh38, 1-based): chr11:59,845,398-59,845,402, CTAGT deleted on the plus strand (ACTAG on the coding strand, the reverse complement: CBLIF is on the minus strand); deleting any 5 consecutive bases within chr11:59,845,398-59,845,403 gives the same sequence; the c. name uses the placement nearest the transcript's 3' end. VCF-style (leftmost placement, unchanged base first): chr11-59845397-ACTAGT-A. GRCh37 (hg19) VCF-style: chr11-59612870-ACTAGT-A.
Other names: short protein forms T18fs.
Identifiers: ClinVar variation 4749260 (VCV004749260.1).
Genomic context (GRCh38, chr11:59,845,397, plus strand): 5'-CTGCTTCCCTGACCTCCTTGGAAAAACATCATACTCACAGCATGAACTCTGGGTCTGGGT[ACTAGT>A]CCCAGCTGTAGCCCAGAGAAGGCTCAGGAGGTAGAGGGCAAACCAGGCCATCTCACTCTC-3'